The following is an entry in ClinVar:

ClinVar aggregate classification (germline): Benign (1 of 4 stars; one submission).

Allele frequency attached by ClinVar (database versions not stated): gnomAD 0.50875 and 0.50984; TOPMed 0.51136; 1000 Genomes Project 30x 0.51702; 1000 Genomes Project 0.52815.
gnomAD v4.1: 76,146 of 149,350 alleles (51%); highest among the groups gnomAD compares: East Asian, 82%; 20,435 homozygotes.

Submission:

GeneDx
Classification: Benign. Last evaluated: 2018-06-14. Review status: criteria provided, single submitter. Criteria: GeneDx Variant Classification (06012015). Collection method: clinical testing. Allele origin: germline. Affected: yes.
Comment: This variant is considered likely benign or benign based on one or more of the following criteria: it is a conservative change, it occurs at a poorly conserved position in the protein, it is predicted to be benign by multiple in silico algorithms, and/or has population frequency not consistent with disease.

NM_139242.4(MTFMT):c.814-248G>A

Gene: MTFMT (mitochondrial methionyl-tRNA formyltransferase; minus strand). Cytogenetic location: 15q22.31.
Variant type: single nucleotide variant.
Coding change: c.814-248G>A on transcript NM_139242.4 (MANE Select); 248 bases into the intron before coding-DNA position 814, G replaced by A.
Molecular consequence: intron variant.
Genome position (GRCh38, 1-based): chr15:65,006,439, C>T on the plus strand (G>A on the coding strand, the complement: MTFMT is on the minus strand). VCF-style: chr15-65006439-C-T. GRCh37 (hg19) VCF-style: chr15-65298777-C-T.
Identifiers: ClinVar variation 682638 (VCV000682638.1), dbSNP rs55873149, ClinGen allele CA14120267.
Genomic context (GRCh38, chr15:65,006,439, plus strand): 5'-TTTTTTTTTTTTTTTTTGAGACGGAGTCTCGTTGTGTCACCAGGCTGGAGTGCAGTGGCG[C>T]GATCTTGGCTCACTGCAAGCTCCGCCTCCCGGGTTCACGCCATTCTCCTGCTTCAGCCTC-3'